The following is an entry in ClinVar:

NM_001145.4(ANG):c.-579G>C

Gene: ANG (angiogenin; plus strand). Cytogenetic location: 14q11.2.
Variant type: single nucleotide variant.
Coding change: c.-579G>C on transcript NM_001145.4; 579 bases upstream of the start codon, G replaced by C.
Molecular consequence: 5 prime UTR variant.
Genome position (GRCh38, 1-based): chr14:20,684,198, G>C. VCF-style: chr14-20684198-G-C. GRCh37 (hg19) VCF-style: chr14-21152357-G-C.
Identifiers: ClinVar variation 312760 (VCV000312760.8), dbSNP rs117466368, ClinGen allele CA10643889.

ClinVar aggregate classification (germline): Benign. Review status: criteria provided, multiple submitters, no conflicts (2 of 4 stars). 2 submissions from 2 submitters: Benign (2). Last evaluated 2018-01-12.

Conditions:
Amyotrophic lateral sclerosis type 9 (ALS9). Identifiers: Orphanet 803, MedGen C2678468, MONDO:0012753, OMIM 611895.

Allele frequency attached by ClinVar (database versions not stated): 1000 Genomes Project 30x 0.02155; gnomAD 0.02509 and 0.02542; 1000 Genomes Project 0.02177; gnomAD exomes 0.03333; TOPMed 0.01957.
gnomAD v4.1: 3,868 of 152,384 alleles (2.5%); highest among the groups gnomAD compares: South Asian, 4.2%; 68 homozygotes.

Submissions (2):

Illumina Laboratory Services, Illumina
Classification: Benign for Amyotrophic lateral sclerosis type 9. Last evaluated: 2018-01-12. Review status: criteria provided, single submitter. Criteria: ICSL Variant Classification Criteria 13 December 2019. Collection method: clinical testing. Allele origin: germline.
Comment: This variant was observed in the ICSL laboratory as part of a predisposition screen in an ostensibly healthy population. It had not been previously curated by ICSL or reported in the Human Gene Mutation Database (HGMD: prior to June 1st, 2018), and was therefore a candidate for classification through an automated scoring system. Utilizing variant allele frequency, disease prevalence and penetrance estimates, and inheritance mode, an automated score was calculated to assess if this variant is too frequent to cause the disease. Based on the score and internal cut-off values, a variant classified as benign is not then subjected to further curation. The score for this variant resulted in a classification of benign for this disease.

Breakthrough Genomics
Classification: Benign. Review status: criteria provided, single submitter. Criteria: ACMG Guidelines, 2015. Collection method: not provided. Allele origin: germline. Inheritance: Unknown mechanism. Affected: yes.